The following is an entry in ClinVar:

NM_177438.3(DICER1):c.4616C>A (p.Thr1539Lys)

Gene: DICER1 (dicer 1, ribonuclease III; minus strand). Cytogenetic location: 14q32.13.
Variant type: single nucleotide variant.
Coding change: c.4616C>A on transcript NM_177438.3 (MANE Select); coding-DNA position 4616, C replaced by A.
Protein change: p.Thr1539Lys; replaces threonine 1539 with lysine.
Molecular consequence: missense variant.
Genome position (GRCh38, 1-based): chr14:95,096,304, G>T on the plus strand (C>A on the coding strand, the complement: DICER1 is on the minus strand). VCF-style: chr14-95096304-G-T. GRCh37 (hg19) VCF-style: chr14-95562641-G-T.
Other names: c.4616C>A, p.Thr1539Lys (NM_001195573.1, NM_001271282.3, NM_001291628.2 and 1 more transcripts); short protein forms T1539K.
Identifiers: ClinVar variation 412088 (VCV000412088.16), dbSNP rs747901058, ClinGen allele CA16614177.

ClinVar aggregate classification (germline): Uncertain significance. Review status: criteria provided, multiple submitters, no conflicts (2 of 4 stars). 5 submissions from 5 submitters: Uncertain significance (5). Last evaluated 2026-01-11.

Conditions:
Global developmental delay - lung cysts - overgrowth - Wilms tumor syndrome. Also called: GLOW Syndrome; GLOBAL DEVELOPMENTAL DELAY, LUNG CYSTS, OVERGROWTH, AND WILMS TUMOR. Identifiers: Orphanet 404476, MedGen C4748924, MONDO:0018445, OMIM 618272.
Hereditary cancer-predisposing syndrome. Also called: Hereditary neoplastic syndrome; Neoplastic Syndromes, Hereditary; Tumor predisposition; Hereditary Cancer Syndrome. Identifiers: Orphanet 140162, MedGen C0027672, MeSH D009386, MONDO:0015356.
Rhabdomyosarcoma, embryonal, 2 (RMSE2). Identifiers: MedGen C1867234, MONDO:0859046, OMIM 180295.
Euthyroid goiter (MNG1). Also called: Goiter, multinodular 1, with or without Sertoli-Leydig cell tumors; GOITER, NONTOXIC, WITH INTRATHYROIDAL CALCIFICATION; MULTINODULAR GOITER, ADOLESCENT; SIMPLE GOITER. Identifiers: Orphanet 276399, MedGen C0302859, MONDO:0007681, OMIM 138800, HP:0009798.
Pleuropulmonary blastoma (PPB). Identifiers: Orphanet 64742, MedGen C1266144, MONDO:0011014, OMIM 601200, HP:0100528.
DICER1-related tumor predisposition. Also called: DICER1-related pleuropulmonary blastoma cancer predisposition syndrome; DICER1 syndrome. Identifiers: Orphanet 284343, MedGen C3839822, MONDO:0100216.

gnomAD v4.1: 2 of 1,614,168 alleles (0.00012%); highest among the groups gnomAD compares: Non-Finnish European, 0.000085%; no homozygotes.

Submissions (5):

Labcorp Genetics (formerly Invitae), Labcorp
Classification: Uncertain significance for DICER1-related tumor predisposition. Last evaluated: 2026-01-11. Review status: criteria provided, single submitter. Criteria: Invitae Variant Classification Sherloc (09022015). Collection method: clinical testing. Allele origin: germline.
Comment: This sequence change replaces threonine, which is neutral and polar, with lysine, which is basic and polar, at codon 1539 of the DICER1 protein (p.Thr1539Lys). This variant is not present in population databases (gnomAD no frequency). This variant has not been reported in the literature in individuals affected with DICER1-related conditions. ClinVar contains an entry for this variant (Variation ID: 412088). Invitae Evidence Modeling of protein sequence and biophysical properties (such as structural, functional, and spatial information, amino acid conservation, physicochemical variation, residue mobility, and thermodynamic stability) indicates that this missense variant is not expected to disrupt DICER1 protein function with a negative predictive value of 95%. In summary, the available evidence is currently insufficient to determine the role of this variant in disease. Therefore, it has been classified as a Variant of Uncertain Significance.

Ambry Genetics
Classification: Uncertain significance for Hereditary cancer-predisposing syndrome. Last evaluated: 2025-08-04. Review status: criteria provided, single submitter. Criteria: Ambry Variant Classification Scheme 2023. Collection method: clinical testing. Allele origin: germline.
Comment: The p.T1539K variant (also known as c.4616C>A), located in coding exon 22 of the DICER1 gene, results from a C to A substitution at nucleotide position 4616. The threonine at codon 1539 is replaced by lysine, an amino acid with similar properties. This amino acid position is not well conserved in available vertebrate species. In addition, the in silico prediction for this alteration is inconclusive. Since supporting evidence is limited at this time, the clinical significance of this alteration remains unclear.

GeneDx
Classification: Uncertain significance. Last evaluated: 2025-06-18. Review status: criteria provided, single submitter. Criteria: GeneDx Variant Classification Process June 2021. Collection method: clinical testing. Allele origin: germline. Affected: yes.
Comment: Not observed at significant frequency in large population cohorts (gnomAD); In silico analysis suggests that this missense variant does not alter protein structure/function; Has not been previously published as pathogenic or benign to our knowledge

Fulgent Genetics
Classification: Uncertain significance for Euthyroid goiter; Rhabdomyosarcoma, embryonal, 2; Pleuropulmonary blastoma; Global developmental delay - lung cysts - overgrowth - Wilms tumor syndrome. Last evaluated: 2024-05-14. Review status: criteria provided, single submitter. Criteria: ACMG Guidelines, 2015. Collection method: clinical testing. Allele origin: germline.

Baylor Genetics
Classification: Uncertain significance for Global developmental delay - lung cysts - overgrowth - Wilms tumor syndrome. Last evaluated: 2024-03-14. Review status: criteria provided, single submitter. Criteria: ACMG Guidelines, 2015. Collection method: clinical testing. Allele origin: unknown.